The following is an entry in ClinVar:

ClinVar aggregate classification (germline): Uncertain significance. Review status: criteria provided, multiple submitters, no conflicts (2 of 4 stars). 2 submissions from 2 submitters: Uncertain significance (2). Last evaluated 2019-04-11.

Conditions:
Inborn genetic diseases. Identifiers: MedGen C0950123, MeSH D030342.
Smith-Magenis syndrome (SMS). Also called: CHROMOSOME 17p11.2 DELETION SYNDROME. Identifiers: Orphanet 819, MedGen C0795864, MONDO:0008434, OMIM 182290.

Allele frequency attached by ClinVar (database versions not stated): gnomAD exomes below 0.00001.
gnomAD v4.1: 1 of 1,612,948 alleles (0.000062%); highest among the groups gnomAD compares: Non-Finnish European, 0.000085%; no homozygotes.

Submissions (2):

Ambry Genetics
Classification: Uncertain significance for Inborn genetic diseases. Last evaluated: 2019-04-11. Review status: criteria provided, single submitter. Criteria: Ambry Variant Classification Scheme 2023. Collection method: clinical testing. Allele origin: germline.
Comment: The p.S583N variant (also known as c.1748G>A), located in coding exon 1 of the RAI1 gene, results from a G to A substitution at nucleotide position 1748. The serine at codon 583 is replaced by asparagine, an amino acid with highly similar properties. This amino acid position is not well conserved in available vertebrate species. In addition, this alteration is predicted to be tolerated by in silico analysis. Since supporting evidence is limited at this time, the clinical significance of this alteration remains unclear.

Shenzhen Institute of Pediatrics, Shenzhen Children's Hospital
Classification: Uncertain significance for Smith-Magenis syndrome. Last evaluated: 2016-12-31. Review status: criteria provided, single submitter. Criteria: ACMG Guidelines, 2015. Collection method: clinical testing. Allele origin: unknown. Inheritance: Autosomal dominant inheritance. Observed: 1 variant allele, 1 heterozygote.

NM_030665.4(RAI1):c.1748G>A (p.Ser583Asn)

Gene: RAI1 (retinoic acid induced 1; plus strand). Cytogenetic location: 17p11.2.
Variant type: single nucleotide variant.
Coding change: c.1748G>A on transcript NM_030665.4 (MANE Select); coding-DNA position 1748, G replaced by A.
Protein change: p.Ser583Asn; replaces serine 583 with asparagine.
Molecular consequence: missense variant.
Genome position (GRCh38, 1-based): chr17:17,794,696, G>A. VCF-style: chr17-17794696-G-A. GRCh37 (hg19) VCF-style: chr17-17698010-G-A.
Other names: short protein forms S583N.
Identifiers: ClinVar variation 375265 (VCV000375265.4), dbSNP rs1057519065, ClinGen allele CA16044021.